The following is an entry in ClinVar:

ClinVar aggregate classification (germline): Uncertain significance (1 of 4 stars; one submission).

Allele frequency attached by ClinVar (database versions not stated): gnomAD exomes below 0.00001; gnomAD 0.00001.
gnomAD v4.1: 8 of 1,614,018 alleles (0.0005%); highest among the groups gnomAD compares: Non-Finnish European, 0.00059%; no homozygotes.

Submission:

Ambry Genetics
Classification: Uncertain significance. Last evaluated: 2022-01-12. Review status: criteria provided, single submitter. Criteria: Ambry Variant Classification Scheme 2023. Collection method: clinical testing. Allele origin: germline.
Comment: The p.P1568S variant (also known as c.4702C>T), located in coding exon 42 of the KIF1B gene, results from a C to T substitution at nucleotide position 4702. The proline at codon 1568 is replaced by serine, an amino acid with similar properties. This amino acid position is conserved. In addition, this alteration is predicted to be tolerated by in silico analysis. Since supporting evidence is limited at this time, the clinical significance of this alteration remains unclear.

NM_001365951.3(KIF1B):c.4840C>T (p.Pro1614Ser)

Gene: KIF1B (kinesin family member 1B; plus strand). Cytogenetic location: 1p36.22.
Variant type: single nucleotide variant.
Coding change: c.4840C>T on transcript NM_001365951.3 (MANE Select); coding-DNA position 4840, C replaced by T.
Protein change: p.Pro1614Ser; replaces proline 1614 with serine.
Molecular consequence: missense variant.
Genome position (GRCh38, 1-based): chr1:10,371,156, C>T. VCF-style: chr1-10371156-C-T. GRCh37 (hg19) VCF-style: chr1-10431214-C-T.
Other names: c.4840C>T, p.Pro1614Ser (NM_001365952.1); c.4702C>T, p.Pro1568Ser (NM_015074.3); short protein forms P1614S, P1568S.
Identifiers: ClinVar variation 1742558 (VCV001742558.2), dbSNP rs1378524416, ClinGen allele CA338327229.